The following is an entry in ClinVar:

ClinVar aggregate classification (germline): Conflicting classifications of pathogenicity. Review status: criteria provided, conflicting classifications (1 of 4 stars). 2 submissions from 2 submitters: Uncertain significance (1); Likely benign (1). Last evaluated 2024-07-01.

Conditions:
Polyhydramnios, megalencephaly, and symptomatic epilepsy (PMSE). Also called: PMSE SYNDROME. Identifiers: Orphanet 500533, MedGen C1970203, MONDO:0012611, OMIM 611087.
Inborn genetic diseases. Identifiers: MedGen C0950123, MeSH D030342.

Allele frequency attached by ClinVar (database versions not stated): TOPMed 0.00002.
gnomAD v4.1: 28 of 1,612,554 alleles (0.0017%); highest among the groups gnomAD compares: Admixed American, 0.005%; no homozygotes.

Submissions (2):

Labcorp Genetics (formerly Invitae), Labcorp
Classification: Uncertain significance for Polyhydramnios, megalencephaly, and symptomatic epilepsy. Last evaluated: 2024-07-01. Review status: criteria provided, single submitter. Criteria: Invitae Variant Classification Sherloc (09022015). Collection method: clinical testing. Allele origin: germline.
Comment: This sequence change replaces histidine, which is basic and polar, with tyrosine, which is neutral and polar, at codon 351 of the STRADA protein (p.His351Tyr). This variant is present in population databases (rs376896311, gnomAD 0.009%). This variant has not been reported in the literature in individuals affected with STRADA-related conditions. ClinVar contains an entry for this variant (Variation ID: 937062). Algorithms developed to predict the effect of missense changes on protein structure and function output the following: SIFT: "Not Available"; PolyPhen-2: "Benign"; Align-GVGD: "Not Available". The tyrosine amino acid residue is found in multiple mammalian species, which suggests that this missense change does not adversely affect protein function. In summary, the available evidence is currently insufficient to determine the role of this variant in disease. Therefore, it has been classified as a Variant of Uncertain Significance.

Ambry Genetics
Classification: Likely benign for Inborn genetic diseases. Last evaluated: 2022-08-08. Review status: criteria provided, single submitter. Criteria: Ambry Variant Classification Scheme 2023. Collection method: clinical testing. Allele origin: germline.

NM_001003787.4(STRADA):c.1051C>T (p.His351Tyr)

Gene: STRADA (STE20 related adaptor alpha; minus strand). Cytogenetic location: 17q23.3.
Variant type: single nucleotide variant.
Coding change: c.1051C>T on transcript NM_001003787.4 (MANE Select); coding-DNA position 1051, C replaced by T.
Protein change: p.His351Tyr; replaces histidine 351 with tyrosine.
Molecular consequence: missense variant. On other transcripts: non-coding transcript variant (1), intron variant (6).
Genome position (GRCh38, 1-based): chr17:63,704,390, G>A on the plus strand (C>T on the coding strand, the complement: STRADA is on the minus strand). VCF-style: chr17-63704390-G-A. GRCh37 (hg19) VCF-style: chr17-61781750-G-A.
Other names: c.940C>T, p.His314Tyr (NM_001003786.3, NM_153335.6); c.877C>T, p.His293Tyr (NM_001003788.3); c.1027C>T, p.His343Tyr (NM_001363786.1); c.964C>T, p.His322Tyr (NM_001363787.1); c.898+42C>T (NM_001363789.1); c.835+42C>T (NM_001363790.1, NM_001363791.1); c.922+42C>T (NM_001165969.2); c.877+42C>T (NM_001165970.2); and 1 more; short protein forms H293Y, H351Y, H314Y, H322Y, H343Y.
Identifiers: ClinVar variation 937062 (VCV000937062.7), dbSNP rs376896311, ClinGen allele CA8703152.
Genomic context (GRCh38, chr17:63,704,390, plus strand): 5'-AGCAGGGATACCTGGCATCCGGGTTGCGCTGAAGGCACTGCTCCACAAAGTGGTGGAAGT[G>A]GGGGGAGAAGGTTCGGTGGTAGGGGTGGGAGGGCGAGTCACCGTTGGAGGGCCGGGGGGT-3'
Protein context (NP_001003787.1, residues 341-361): SHPYHRTFSP[His351Tyr]FHHFVEQCLQ